The following is an entry in ClinVar:

ClinVar aggregate classification (germline): Pathogenic/Likely pathogenic. Review status: criteria provided, multiple submitters, no conflicts (2 of 4 stars). 10 submissions from 10 submitters: Pathogenic (8); Likely pathogenic (1). 1 of the submissions does not count toward it. Last evaluated 2025-12-29.

Conditions:
Hereditary cancer-predisposing syndrome. Also called: Neoplastic Syndromes, Hereditary; Hereditary neoplastic syndrome; Tumor predisposition; Hereditary Cancer Syndrome. Identifiers: Orphanet 140162, MedGen C0027672, MeSH D009386, MONDO:0015356.
Familial cancer of breast. Also called: hereditary breast carcinoma; Hereditary breast cancer; BREAST CANCER, FAMILIAL. Identifiers: Orphanet 227535, MedGen C0346153, MONDO:0016419, OMIM 114480. Disease mechanism: loss of function.
Ataxia-telangiectasia syndrome (AT). Also called: Ataxia telangiectasia (A-T); Cerebello-oculocutaneous telangiectasia; Immunodeficiency with ataxia telangiectasia; LOUIS-BAR SYNDROME; AT, COMPLEMENTATION GROUP C; ATAXIA-TELANGIECTASIA, FRESNO VARIANT. Identifiers: Orphanet 100, MedGen C0004135, MONDO:0008840, OMIM 208900.

Submissions (10):

Center for Genomic Medicine, Rigshospitalet, Copenhagen University Hospital
Classification: Pathogenic. Last evaluated: 2025-12-29. Review status: criteria provided, single submitter. Criteria: ACMG Guidelines, 2015. Collection method: clinical testing. Allele origin: germline.

Department of Clinical Genetics, Copenhagen University Hospital, Rigshospitalet
Classification: Pathogenic for Familial cancer of breast; Ataxia-telangiectasia syndrome. Last evaluated: 2025-02-04. Review status: criteria provided, single submitter. Criteria: ACMG Guidelines, 2015. Collection method: clinical testing. Allele origin: germline.
Comment: PVS1; PM2_SUP; PS1_SUP; PM3_Strong

Ambry Genetics
Classification: Pathogenic for Hereditary cancer-predisposing syndrome. Last evaluated: 2024-06-13. Review status: criteria provided, single submitter. Criteria: Ambry Variant Classification Scheme 2023. Collection method: clinical testing. Allele origin: germline.
Comment: The c.7629_7629+4delTGTAA pathogenic mutation spans the boundary of coding exon 50 and intron 50 of the ATM gene. This mutation results from a deletion of five nucleotides at positions 7629 to 7629+4. In one study, this mutation was detected and confirmed to be in trans with a second pathogenic ATM mutation in an ataxia-telangiectasia (AT) patient. mRNA analysis confirmed that this mutation causes complete skipping of coding exon 50, which is predicted to lead to the in-frame deletion of 38 amino acids at codons 2506 to 2543 (Laake K et al. Hum Mutat. 2000 Sep;16(3):232-46). In addition to the clinical data presented in the literature, alterations that disrupt the canonical splice site are expected to cause aberrant splicing, resulting in an abnormal protein or a transcript that is subject to nonsense-mediated mRNA decay. RNA studies have demonstrated that this alteration results in abnormal splicing in the set of samples tested (Ambry internal data). As such, this alteration is classified as a disease-causing mutation.

Myriad Genetics, Inc.
Classification: Likely pathogenic for Familial cancer of breast. Last evaluated: 2024-01-31. Review status: criteria provided, single submitter. Criteria: Myriad Autosomal Dominant, Autosomal Recessive and X-Linked Classification Criteria (2023). Collection method: clinical testing. Allele origin: unknown.
Comment: This variant is considered likely pathogenic. This variant occurs within a consensus splice junction and is predicted to result in abnormal mRNA splicing of either an out-of-frame exon or an in-frame exon necessary for protein stability and/or normal function.

Baylor Genetics
Classification: Pathogenic for Familial cancer of breast. Last evaluated: 2024-01-18. Review status: criteria provided, single submitter. Criteria: ACMG Guidelines, 2015. Collection method: clinical testing. Allele origin: unknown.

Women's Health and Genetics/Laboratory Corporation of America, LabCorp
Classification: Pathogenic for Ataxia-telangiectasia syndrome. Last evaluated: 2023-09-27. Review status: criteria provided, single submitter. Criteria: LabCorp Variant Classification Summary - May 2015. Collection method: clinical testing. Allele origin: germline.
Comment: Variant summary: ATM c.7629_7629+4delTGTAA is located in a canonical splice-site and is predicted to affect mRNA splicing resulting in a significantly altered protein due to either exon skipping, shortening, or inclusion of intronic material. Several computational tools predict a significant impact on normal splicing: Four predict the variant abolishes a canonical 5' splicing donor site. At least one publication reports experimental evidence that this variant affects mRNA splicing, resulting in exon skipping (Laake_2000). The variant allele was found at a frequency of 4e-06 in 250372 control chromosomes (gnomAD). c.7629_7629+4delTGTAA has been reported in the literature in a family affected with Ataxia-Telangiectasia with another pathogenic variant in trans (Laake_2000). The following publication has been ascertained in the context of this evaluation (PMID: 10980530). Six submitters have cited clinical-significance assessments for this variant to ClinVar after 2014. All submitters classified the variant as pathogenic/likely pathogenic. Based on the evidence outlined above, the variant was classified as pathogenic.

Labcorp Genetics (formerly Invitae), Labcorp
Classification: Pathogenic for Ataxia-telangiectasia syndrome. Last evaluated: 2023-08-23. Review status: criteria provided, single submitter. Criteria: Invitae Variant Classification Sherloc (09022015). Collection method: clinical testing. Allele origin: germline.
Comment: For these reasons, this variant has been classified as Pathogenic. Algorithms developed to predict the effect of sequence changes on RNA splicing suggest that this variant may disrupt the consensus splice site. ClinVar contains an entry for this variant (Variation ID: 232873). Disruption of this splice site has been observed in individual(s) with ataxia telangiectasia (PMID: 10980530). In at least one individual the data is consistent with being in trans (on the opposite chromosome) from a pathogenic variant. This variant is present in population databases (rs751497695, gnomAD 0.0009%). This sequence change affects a splice site in intron 51 of the ATM gene. It is expected to disrupt RNA splicing. Variants that disrupt the donor or acceptor splice site typically lead to a loss of protein function (PMID: 16199547), and loss-of-function variants in ATM are known to be pathogenic (PMID: 23807571, 25614872).

Color Diagnostics, LLC DBA Color Health
Classification: Pathogenic for Hereditary cancer-predisposing syndrome. Last evaluated: 2021-07-08. Review status: criteria provided, single submitter. Criteria: ACMG Guidelines, 2015. Collection method: clinical testing. Allele origin: germline.
Comment: This variant causes a deletion of 5 nucleotides in the exon 51 and intron 51 junction of the ATM gene. RNA extracted from carrier-derived cells have shown that the variant leads to the skipping of exon 51 (also know as exon 53 in the literature), which is expected to result in an in-frame deletion of 38 amino acids (PMID: 10980530). This variant has been reported in the compound heterozygous state with an additional pathogenic ATM variant in an individual affected with ataxia telangiectasia (PMID: 10980530). This variant has been identified in 1/250372 chromosomes in the general population by the Genome Aggregation Database (gnomAD). Loss of ATM function is a known mechanism of disease. Based on the available evidence, this variant is classified as Pathogenic.

Victorian Clinical Genetics Services, Murdoch Childrens Research Institute
Classification: Pathogenic for Ataxia-telangiectasia syndrome. Last evaluated: 2021-05-06. Review status: criteria provided, single submitter. Criteria: ACMG Guidelines, 2015. Collection method: clinical testing. Allele origin: germline.
Comment: Based on the classification scheme VCGS_Germline_v1.3.4, this variant is classified as pathogenic. Following criteria are met: 0102 - Loss of function is a known mechanism of disease in this gene and is associated with ataxia-telangiectasia (MIM#208900). (I) 0106 - This gene is associated with autosomal recessive disease. (I) 0115 - Variants in this gene are known to have variable expressivity. Variable age of onset and rate of disease progression have been reported for affected individuals within the same family (PMIDs: 20301790, 27884168). (I) 0209 - Splice site variant proven to affect splicing of the transcript with uncertain effect on protein sequence. Using RNA studies, this variant has been reported to result in an in-frame deletion of 38 amino acids in exon 53 (PMID: 10980530). However, specific data was not shown. (SP) 0251 - This variant is heterozygous. (I) 0304 - Variant is present in gnomAD (v2) <0.01 for a recessive condition (1 heterozygote, 0 homozygotes). (SP) 0311 - An alternative nucleotide change at the canonical splice site is present in gnomAD (v2) at a frequency of 0.000004 (1 heterozygote, 0 homozygotes). (I) 0505 - Abnormal splicing is predicted by in silico tools and affected nucleotide is highly conserved. (SP) 0703 – Other splice site variants comparable to the one identified in this case have moderate previous evidence for pathogenicity. The c.7629+1G>A and c.7629+2T>C canonical splice site variants have been classified as likely pathogenic in ClinVar. (SP) 0802 - This variant has moderate previous evidence of pathogenicity in unrelated individuals. This variant has been reported in 4 individuals with ataxia-telangiectasia (ClinVar, PMID: 10980530). (SP) 0905 - No published segregation evidence has been identified for this variant. (I) 1208 - Inheritance information for this variant is not currently available in this individual. (I) Legend: (SP) - Supporting pathogenic, (I) - Information, (SB) - Supporting benign

Counsyl
Classification: Likely pathogenic for Ataxia-telangiectasia syndrome. Last evaluated: 2017-04-10. Review status: no assertion criteria provided. Collection method: clinical testing. Allele origin: unknown. Not counted in ClinVar's aggregate classification.

Literature cited by the submitters: PubMed 31263571 (cited by Center for Genomic Medicine, Rigshospitalet, Copenhagen University Hospital); PubMed 10980530 (cited by 6 submitters); PubMed 16199547 (cited by Labcorp Genetics (formerly Invitae), Labcorp); PubMed 23807571 (cited by Labcorp Genetics (formerly Invitae), Labcorp); PubMed 25614872 (cited by Labcorp Genetics (formerly Invitae), Labcorp); PubMed 20301790 (cited by Victorian Clinical Genetics Services, Murdoch Childrens Research Institute); PubMed 27884168 (cited by Victorian Clinical Genetics Services, Murdoch Childrens Research Institute).

NM_000051.4(ATM):c.7629_7629+4del

Genes: C11orf65 (chromosome 11 open reading frame 65; minus strand), ATM (ATM serine/threonine kinase; plus strand). Cytogenetic location: 11q22.3.
Variant type: Deletion.
Coding change: c.7629_7629+4del on transcript NM_000051.4 (MANE Select); coding-DNA position 7629 through 4 bases into the intron after coding-DNA position 7629, 5 bases deleted (TGTAA; older notation c.7629_7629+4delTGTAA).
Molecular consequence: splice donor variant. On other transcripts: non-coding transcript variant (1), intron variant (2).
Genome position (GRCh38, 1-based): chr11:108,331,557-108,331,561, TGTAA deleted; deleting any 5 consecutive bases within chr11:108,331,554-108,331,561 gives the same sequence; the c. name uses the placement nearest the transcript's 3' end. VCF-style (leftmost placement, unchanged base first): chr11-108331553-ATAATG-A. GRCh37 (hg19) VCF-style: chr11-108202280-ATAATG-A.
Other names: c.7629_7629+4del (NM_000051.3, NM_001351834.2); c.7629_7629+4delTGTAA (NM_000051.3, NM_000051.4); c.7629_7629+4del5 (NM_000051.3); c.641-22487_641-22483del (NM_001330368.2); c.*38+3662_*38+3666del (NM_001351110.2).
Identifiers: ClinVar variation 232873 (VCV000232873.31), dbSNP rs876660041, ClinGen allele CA6266145.